The following is an entry in ClinVar:

ClinVar aggregate classification (germline): Uncertain significance (1 of 4 stars; one submission).

Conditions:
Inborn genetic diseases. Identifiers: MedGen C0950123, MeSH D030342.

gnomAD v4.1: 2 of 1,613,642 alleles (0.00012%); highest among the groups gnomAD compares: Non-Finnish European, 0.00017%; no homozygotes.

Submission:

Ambry Genetics
Classification: Uncertain significance for Inborn genetic diseases. Last evaluated: 2026-04-05. Review status: criteria provided, single submitter. Criteria: Ambry Variant Classification Scheme 2023. Collection method: clinical testing. Allele origin: germline.
Comment: The p.S314P variant (also known as c.940T>C), located in coding exon 1 of the SAMD9 gene, results from a T to C substitution at nucleotide position 940. The serine at codon 314 is replaced by proline, an amino acid with similar properties. This amino acid position is conserved. In addition, this alteration is predicted to be tolerated by in silico analysis. Based on the available evidence, the clinical significance of this variant remains unclear.

NM_017654.4(SAMD9):c.940T>C (p.Ser314Pro)

Gene: SAMD9 (sterile alpha motif domain containing 9; minus strand). Cytogenetic location: 7q21.2.
Variant type: single nucleotide variant.
Coding change: c.940T>C on transcript NM_017654.4 (MANE Select); coding-DNA position 940, T replaced by C.
Protein change: p.Ser314Pro; replaces serine 314 with proline.
Molecular consequence: missense variant.
Genome position (GRCh38, 1-based): chr7:93,105,158, A>G on the plus strand (T>C on the coding strand, the complement: SAMD9 is on the minus strand). VCF-style: chr7-93105158-A-G. GRCh37 (hg19) VCF-style: chr7-92734471-A-G.
Other names: c.940T>C, p.Ser314Pro (NM_001193307.2); short protein forms S314P.
Identifiers: ClinVar variation 4863799 (VCV004863799.1).